The following is an entry in ClinVar:

ClinVar aggregate classification (germline): Uncertain significance (1 of 4 stars; one submission).

Conditions:
Malignant hyperthermia, susceptibility to, 1 (MHS1). Also called: RYR1-Related Malignant Hyperthermia Susceptibility; Malignant hyperthermia suceptibility 1; Anesthesia related hyperthermia; Malignant hyperpyrexia; Fulminating hyperpyrexia; Pharmacogenic myopathy. Identifiers: Orphanet 423, MedGen C2930980, MONDO:0007783, OMIM 145600.

gnomAD v4.1: 4 of 1,611,276 alleles (0.00025%); highest among the groups gnomAD compares: South Asian, 0.0022%; no homozygotes.

Submission:

Color Diagnostics, LLC DBA Color Health
Classification: Uncertain significance for Malignant hyperthermia, susceptibility to, 1. Last evaluated: 2025-06-10. Review status: criteria provided, single submitter. Criteria: ACMG Guidelines, 2015. Collection method: clinical testing. Allele origin: germline.
Comment: This missense variant replaces valine with methionine at codon 1680 of the RYR1 protein. Computational prediction suggests that this variant may have deleterious impact on protein structure and function. To our knowledge, functional studies have not been reported for this variant. This variant has not been reported in individuals affected with RYR1-related disorders in the literature. This variant has been identified in 1/245762 chromosomes in the general population by the Genome Aggregation Database (gnomAD). The available evidence is insufficient to determine the role of this variant in disease conclusively. Therefore, this variant is classified as a Variant of Uncertain Significance.

NM_000540.3(RYR1):c.5038G>A (p.Val1680Met)

Gene: RYR1 (ryanodine receptor 1; plus strand). Cytogenetic location: 19q13.2.
Variant type: single nucleotide variant.
Coding change: c.5038G>A on transcript NM_000540.3 (MANE Select); coding-DNA position 5038, G replaced by A.
Protein change: p.Val1680Met; replaces valine 1680 with methionine.
Molecular consequence: missense variant.
Genome position (GRCh38, 1-based): chr19:38,485,693, G>A. VCF-style: chr19-38485693-G-A. GRCh37 (hg19) VCF-style: chr19-38976333-G-A.
Other names: c.5038G>A, p.Val1680Met (NM_001042723.2); short protein forms V1680M.
Identifiers: ClinVar variation 4758822 (VCV004758822.1).